The following is an entry in ClinVar:

ClinVar aggregate classification (germline): Uncertain significance (1 of 4 stars; one submission).

Submission:

GeneDx
Classification: Uncertain significance. Last evaluated: 2023-03-30. Review status: criteria provided, single submitter. Criteria: GeneDx Variant Classification Process June 2021. Collection method: clinical testing. Allele origin: germline. Affected: yes.
Comment: Not observed at significant frequency in large population cohorts (gnomAD); In silico analysis supports that this missense variant does not alter protein structure/function; Has not been previously published as pathogenic or benign to our knowledge

NM_001393769.1(MED12L):c.5425A>G (p.Lys1809Glu)

Gene: MED12L (mediator complex subunit 12L; plus strand). Cytogenetic location: 3q25.1.
Variant type: single nucleotide variant.
Coding change: c.5425A>G on transcript NM_001393769.1 (MANE Select); coding-DNA position 5425, A replaced by G.
Protein change: p.Lys1809Glu; replaces lysine 1809 with glutamic acid.
Molecular consequence: missense variant.
Genome position (GRCh38, 1-based): chr3:151,388,146, A>G. VCF-style: chr3-151388146-A-G. GRCh37 (hg19) VCF-style: chr3-151105934-A-G.
Other names: c.5320A>G, p.Lys1774Glu (NM_053002.6); short protein forms K1774E, K1809E.
Identifiers: ClinVar variation 2582169 (VCV002582169.1), dbSNP rs2474009671, ClinGen allele CA354977769.
Genomic context (GRCh38, chr3:151,388,146, plus strand): 5'-CTGTCAGATCAGGGAAAAACCACAACAGATGAAGAAAAGAAAACAAAAGGAAGGAAGCGC[A>G]AGACGAAATCTAGCTCAAGAGTTGATGTAAGTGGGGAAAGGAAGGAGAACCTTGGCTCAT-3'
Protein context (NP_001380698.1, residues 1799-1819): EEKKTKGRKR[Lys1809Glu]TKSSSRVDEY